The following is an entry in ClinVar:

ClinVar aggregate classification (germline): Uncertain significance (1 of 4 stars; one submission).

Submission:

GeneDx
Classification: Uncertain significance. Last evaluated: 2022-09-22. Review status: criteria provided, single submitter. Criteria: GeneDx Variant Classification Process June 2021. Collection method: clinical testing. Allele origin: germline. Affected: yes.
Comment: Not observed in large population cohorts (gnomAD); In silico analysis supports that this missense variant has a deleterious effect on protein structure/function; Has not been previously published as pathogenic or benign to our knowledge

NM_001256627.2(BRSK2):c.1636A>T (p.Ile546Phe)

Gene: BRSK2 (BR serine/threonine kinase 2; plus strand). Cytogenetic location: 11p15.5.
Variant type: single nucleotide variant.
Coding change: c.1636A>T on transcript NM_001256627.2 (MANE Select); coding-DNA position 1636, A replaced by T.
Protein change: p.Ile546Phe; replaces isoleucine 546 with phenylalanine.
Molecular consequence: missense variant. On other transcripts: non-coding transcript variant (1).
Genome position (GRCh38, 1-based): chr11:1,454,576, A>T. VCF-style: chr11-1454576-A-T. GRCh37 (hg19) VCF-style: chr11-1475806-A-T.
Other names: c.1636A>T, p.Ile546Phe (NM_001256629.2, NM_003957.4); c.1774A>T, p.Ile592Phe (NM_001256630.1); c.1456A>T, p.Ile486Phe (NM_001282218.2); short protein forms I486F, I546F, I592F.
Identifiers: ClinVar variation 1706955 (VCV001706955.2), dbSNP rs1846239896, ClinGen allele CA379078135.
Genomic context (GRCh38, chr11:1,454,576, plus strand): 5'-ATCAGCCTGGAGAAGGAGGAGCAGATCTTCGTGGTCATCAAAGACAAACCTCTGAGCTCC[A>T]TCAAGGCTGACATCGTGCACGCCTTCCTGTCGGTGAGGCCACAGGGCGCTGGGGGAGGCG-3'
Protein context (NP_001243556.1, residues 536-556): VVIKDKPLSS[Ile546Phe]KADIVHAFLS